The following is an entry in ClinVar:

ClinVar aggregate classification (germline): Likely benign (1 of 4 stars; one submission).

Allele frequency attached by ClinVar (database versions not stated): gnomAD exomes 0.00050; 1000 Genomes Project 0.00459; 1000 Genomes Project 30x 0.00468; gnomAD 0.00505 and 0.00548; TOPMed 0.00577.
gnomAD v4.1: 1,320 of 1,210,738 alleles (0.11%); highest among the groups gnomAD compares: African/African-American, 1.8%; 14 homozygotes.

Submission:

GeneDx
Classification: Likely benign. Last evaluated: 2018-06-16. Review status: criteria provided, single submitter. Criteria: GeneDx Variant Classification (06012015). Collection method: clinical testing. Allele origin: germline. Affected: yes.
Comment: This variant is considered likely benign or benign based on one or more of the following criteria: it is a conservative change, it occurs at a poorly conserved position in the protein, it is predicted to be benign by multiple in silico algorithms, and/or has population frequency not consistent with disease.

NM_020631.6(PLEKHG5):c.592-75C>A

Gene: PLEKHG5 (pleckstrin homology and RhoGEF domain containing G5; minus strand). Cytogenetic location: 1p36.31.
Variant type: single nucleotide variant.
Coding change: c.592-75C>A on transcript NM_020631.6 (MANE Select); 75 bases into the intron before coding-DNA position 592, C replaced by A.
Molecular consequence: intron variant.
Genome position (GRCh38, 1-based): chr1:6,473,529, G>T on the plus strand (C>A on the coding strand, the complement: PLEKHG5 is on the minus strand). VCF-style: chr1-6473529-G-T. GRCh37 (hg19) VCF-style: chr1-6533589-G-T.
Other names: c.592-75C>A (NM_198681.4, NM_001265594.3, NM_001042664.2 and 1 more transcripts); c.703-75C>A (NM_001042663.3, NM_001265592.2); c.799-75C>A (NM_001265593.2).
Identifiers: ClinVar variation 675702 (VCV000675702.1), dbSNP rs140246821, ClinGen allele CA17242533.